The following is an entry in ClinVar:

NM_003611.3(OFD1):c.2725C>T (p.Arg909Ter)

Gene: OFD1 (OFD1 centriole and centriolar satellite protein; plus strand). Cytogenetic location: Xp22.2.
Variant type: single nucleotide variant.
Coding change: c.2725C>T on transcript NM_003611.3 (MANE Select); coding-DNA position 2725, C replaced by T.
Protein change: p.Arg909Ter; replaces arginine 909 with a stop codon.
Molecular consequence: nonsense.
Genome position (GRCh38, 1-based): chrX:13,767,252, C>T. VCF-style: chrX-13767252-C-T. GRCh37 (hg19) VCF-style: chrX-13785371-C-T.
Other names: c.2605C>T, p.Arg869Ter (NM_001330209.2); c.2305C>T, p.Arg769Ter (NM_001330210.2); short protein forms R909*, R769*, R869*.
Identifiers: ClinVar variation 404165 (VCV000404165.13), dbSNP rs1060500123, ClinGen allele CA16616638.

ClinVar aggregate classification (germline): Pathogenic/Likely pathogenic. Review status: criteria provided, multiple submitters, no conflicts (2 of 4 stars). 6 submissions from 6 submitters: Pathogenic (5); Likely pathogenic (1). Last evaluated 2025-04-09.

Conditions:
OFD1-related disorder. Also called: OFD1-related condition.
Respiratory ciliopathies including non-CF bronchiectasis.
Orofaciodigital syndrome I (OFD1). Also called: OFDS I; Oral-Facial-Digital Syndrome Type I; Papillon-Leage and Psaume Syndrome. Identifiers: Orphanet 2750, MedGen C1510460, MONDO:0010702, OMIM 311200.
Joubert syndrome. Also called: JOUBERT-BOLTSHAUSER SYNDROME; Familial aplasia of the vermis. Identifiers: Orphanet 475, MedGen C5979921, MONDO:0018772.
Primary ciliary dyskinesia. Also called: Ciliary dyskinesia. Identifiers: Orphanet 244, MedGen C0008780, MONDO:0016575, HP:0012265.

Allele frequency attached by ClinVar (database versions not stated): gnomAD exomes below 0.00001.
gnomAD v4.1: 1 of 1,210,583 alleles (0.000083%); highest among the groups gnomAD compares: African/African-American, 0.0017%; no homozygotes.

Submissions (6):

NHS Central & South Genomic Laboratory Hub
Classification: Pathogenic for Respiratory ciliopathies including non-CF bronchiectasis. Last evaluated: 2025-04-09. Review status: criteria provided, single submitter. Criteria: ACMG Guidelines, 2015. Collection method: clinical testing. Allele origin: germline. Affected: yes.

Labcorp Genetics (formerly Invitae), Labcorp
Classification: Pathogenic for Orofaciodigital syndrome I; Joubert syndrome. Last evaluated: 2024-03-09. Review status: criteria provided, single submitter. Criteria: Invitae Variant Classification Sherloc (09022015). Collection method: clinical testing. Allele origin: germline.
Comment: This sequence change creates a premature translational stop signal (p.Arg909*) in the OFD1 gene. It is expected to result in an absent or disrupted protein product. Loss-of-function variants in OFD1 are known to be pathogenic (PMID: 16783569, 18546297, 27081566). This variant is not present in population databases (gnomAD no frequency). This variant has not been reported in the literature in individuals affected with OFD1-related conditions. ClinVar contains an entry for this variant (Variation ID: 404165). For these reasons, this variant has been classified as Pathogenic.

Institute Of Molecular Biology And Genetics, Federal Almazov National Medical Research Centre
Classification: Pathogenic for Primary ciliary dyskinesia. Last evaluated: 2023-12-11. Review status: criteria provided, single submitter. Criteria: ACMG Guidelines, 2015. Collection method: clinical testing. Allele origin: maternal. Affected: yes. Observed: 2 variant alleles.
Comment: This sequence change creates a premature termination codon (p.Arg909*) in the OFD1 gene and is expected to result in an absent or disrupted protein product. The c.2725C>T variant is absent in population databases (no allele frequency in gnomAD) and has not been previously reported in the literature. ClinVar contains an entry for this variant (variation ID 404165): it was reported twice in patients with OFD1-related disorders and classified as Pathogenic. For these reasons, this variant has been classified as Pathogenic.

Institute of Human Genetics, University of Leipzig Medical Center
Classification: Pathogenic for Orofaciodigital syndrome I. Last evaluated: 2023-11-29. Review status: criteria provided, single submitter. Criteria: ACMG Guidelines, 2015. Collection method: clinical testing. Allele origin: unknown. Inheritance: X-linked dominant inheritance. Affected: yes.
Comment: Criteria applied: PVS1,PS4_MOD,PM2_SUP

Greenwood Genetic Center Diagnostic Laboratories, Greenwood Genetic Center
Classification: Pathogenic for OFD1-related disorder. Last evaluated: 2022-05-19. Review status: criteria provided, single submitter. Criteria: ACMG Guidelines, 2015. Collection method: clinical testing. Allele origin: germline. Affected: yes.
Comment: PVS1, PS2, PM2

Blueprint Genetics
Classification: Likely pathogenic for OFD1-related disorders. Last evaluated: 2020-02-11. Review status: criteria provided, single submitter. Criteria: ACMG Guidelines, 2015. Collection method: clinical testing. Allele origin: germline. Affected: yes. Observed: 2 variant alleles.

Literature cited by the submitters: PubMed 16783569 (cited by Labcorp Genetics (formerly Invitae), Labcorp); PubMed 18546297 (cited by Labcorp Genetics (formerly Invitae), Labcorp); PubMed 27081566 (cited by Labcorp Genetics (formerly Invitae), Labcorp).